The following is an entry in ClinVar:

ClinVar aggregate classification (germline): Likely benign. Review status: reviewed by expert panel (3 of 4 stars). 3 submissions from 3 submitters: Likely benign (1). 2 of the submissions do not count toward it. Last evaluated 2018-12-10.

Conditions:
Phenylketonuria (PKU). Also called: Phenylketonuria (PKU); FOLLING DISEASE; OLIGOPHRENIA PHENYLPYRUVICA; Phenylketonurias. Identifiers: Orphanet 716, MedGen C0031485, MONDO:0009861, OMIM 261600. Disease mechanism: loss of function.

Allele frequency attached by ClinVar (database versions not stated): gnomAD 0.00080 and 0.00087; ExAC 0.00027; 1000 Genomes Project 0.00040; TOPMed 0.00085; gnomAD exomes 0.00022; 1000 Genomes Project 30x 0.00031; ESP Exome Variant Server 0.00077.
gnomAD v4.1: 216 of 1,608,022 alleles (0.013%); highest among the groups gnomAD compares: African/African-American, 0.23%; no homozygotes.

Submissions (3):

ClinGen PAH Variant Curation Expert Panel
Classification: Likely benign for Phenylketonuria. Last evaluated: 2018-12-10. Review status: reviewed by expert panel. Criteria: ClinGen PAH ACMG Specifications v1. Collection method: curation. Allele origin: germline. Inheritance: Autosomal recessive inheritance.
Comment: The c.706+17G>T variant in PAH has been reported in the mother of a patient with PKU (not found in the patient). PMID: 11139255. The MAF for this variant is 0.00269, greater than expected. Multiple splicing predictors suggest no impact (HSF: No significant splicing motif alteration detected. This mutation has probably no impact on splicing. MaxEnt: +15.3 % variation). In summary, this variant meets criteria to be classified as likely benign: BS1, BP4.

Labcorp Genetics (formerly Invitae), Labcorp
Classification: Benign for Phenylketonuria. Last evaluated: 2026-01-28. Review status: criteria provided, single submitter. Criteria: Invitae Variant Classification Sherloc (09022015). Collection method: clinical testing. Allele origin: germline. Not counted in ClinVar's aggregate classification.

DeBelle Laboratory for Biochemical Genetics, MUHC/MCH RESEARCH INSTITUTE
No classification provided. Review status: no classification provided. Collection method: not provided. Allele origin: not provided. Not counted in ClinVar's aggregate classification.

NM_000277.3(PAH):c.706+17G>T

Gene: PAH (phenylalanine hydroxylase; minus strand). Cytogenetic location: 12q23.2.
Variant type: single nucleotide variant.
Coding change: c.706+17G>T on transcript NM_000277.3 (MANE Select); 17 bases into the intron after coding-DNA position 706, G replaced by T.
Molecular consequence: intron variant.
Genome position (GRCh38, 1-based): chr12:102,855,119, C>A on the plus strand (G>T on the coding strand, the complement: PAH is on the minus strand). VCF-style: chr12-102855119-C-A. GRCh37 (hg19) VCF-style: chr12-103248897-C-A.
Other names: NM_000277.2(PAH):c.706+17G>T; c.706+17G>T (NM_001354304.2).
Identifiers: ClinVar variation 102792 (VCV000102792.10), dbSNP rs62508592, ClinGen allele CA229702.